The following is an entry in ClinVar:

NC_000017.10:g.(?_29562619)_(29563299_?)del

Gene: NF1 (neurofibromin 1; plus strand). Cytogenetic location: 17q11.2.
Variant type: Deletion.
Identifiers: ClinVar variation 1401921 (VCV001401921.6).

ClinVar aggregate classification (germline): Pathogenic (1 of 4 stars; one submission).

Conditions:
Neurofibromatosis, type 1 (NF1). Also called: NEUROFIBROMATOSIS, TYPE I, SOMATIC; Peripheral type neurofibromatosis; Neurofibromatosis, type I; VON RECKLINGHAUSEN DISEASE. Identifiers: Orphanet 636, MedGen C0027831, MONDO:0018975, OMIM 162200. Disease mechanism: loss of function.

Submission:

Labcorp Genetics (formerly Invitae), Labcorp
Classification: Pathogenic for Neurofibromatosis, type 1. Last evaluated: 2023-09-03. Review status: criteria provided, single submitter. Criteria: Invitae Variant Classification Sherloc (09022015). Collection method: clinical testing. Allele origin: germline.
Comment: This variant is a gross deletion of the genomic region encompassing exon(s) 28-29 of the NF1 gene. This deletion is out-of-frame, and is expected to create a premature termination codon and result in an absent or disrupted protein product. Loss-of-function variants in NF1 are known to be pathogenic (PMID: 10712197, 23913538). A similar copy number variant has been observed in individual(s) with clinical features of NF1 (PMID: 26189818, 30290804). For these reasons, this variant has been classified as Pathogenic.

Literature cited by the submitters: PubMed 10712197; PubMed 23913538; PubMed 26189818; PubMed 30290804.